The following is an entry in ClinVar:

NM_001110556.2(FLNA):c.166C>T (p.His56Tyr)

Gene: FLNA (filamin A; minus strand). Cytogenetic location: Xq28.
Variant type: single nucleotide variant.
Coding change: c.166C>T on transcript NM_001110556.2 (MANE Select); coding-DNA position 166, C replaced by T.
Protein change: p.His56Tyr; replaces histidine 56 with tyrosine.
Molecular consequence: missense variant.
Genome position (GRCh38, 1-based): chrX:154,371,080, G>A on the plus strand (C>T on the coding strand, the complement: FLNA is on the minus strand). VCF-style: chrX-154371080-G-A. GRCh37 (hg19) VCF-style: chrX-153599448-G-A.
Other names: c.166C>T, p.His56Tyr (NM_001456.4); short protein forms H56Y.
Identifiers: ClinVar variation 2444074 (VCV002444074.2), dbSNP rs2522771675, ClinGen allele CA415255217.
Genomic context (GRCh38, chrX:154,371,080, plus strand): 5'-GCAGCCCGTCGCTCAGGTCCGTCTGCAGGTTGGCGATGCGCTTGCTCACGCACTTCAGGT[G>A]CTCGTTGCACCAGCGCGTGAAAGTGTTCTGCTGGATCTTCTTCCACGGCGCGTCCTCCGC-3'
Protein context (NP_001104026.1, residues 46-66): QNTFTRWCNE[His56Tyr]LKCVSKRIAN

ClinVar aggregate classification (germline): Uncertain significance. Review status: criteria provided, multiple submitters, no conflicts (2 of 4 stars). 2 submissions from 2 submitters: Uncertain significance (2). Last evaluated 2025-09-03.

Conditions:
Oto-palato-digital syndrome, type I (OPD1). Also called: OPD I SYNDROME; OPD SYNDROME 1; Otopalatodigital Syndrome Type 1 (FLNA-OPD1); Taybi syndrome; Otopalatodigital Syndrome, Type I. Identifiers: Orphanet 669, Orphanet 90650, MedGen C0265251, MONDO:0010704, OMIM 311300.
Heterotopia, periventricular, X-linked dominant (PVNH1). Also called: PERIVENTRICULAR NODULAR HETEROTOPIA 1; PERIVENTRICULAR NODULAR HETEROTOPIA 4; HETEROTOPIA, PERIVENTRICULAR, 1; X-linked periventricular heterotopia. Identifiers: Orphanet 2149, Orphanet 82004, MedGen C1848213, MONDO:0010233, OMIM 300049.
Melnick-Needles syndrome (MNS). Also called: MELNICK-NEEDLES OSTEODYSPLASTY; OSTEODYSPLASTY OF MELNICK AND NEEDLES; Melnick-Needles Syndrome (FLNA-MNS). Identifiers: Orphanet 2484, MedGen C0025237, MONDO:0010650, OMIM 309350.
Oto-palato-digital syndrome, type II (OPD2). Also called: FACIOPALATOOSSEOUS SYNDROME; OPD II SYNDROME; Otopalatodigital Syndrome Type 2 (FLNA-OPD2); Otopalatodigital Syndrome, Type II. Identifiers: Orphanet 669, Orphanet 90652, MedGen C1844696, MONDO:0010571, OMIM 304120.
Frontometaphyseal dysplasia (FMD1). Identifiers: Orphanet 1826, MedGen C0265293, MONDO:0015942.

Submissions (2):

Labcorp Genetics (formerly Invitae), Labcorp
Classification: Uncertain significance for Oto-palato-digital syndrome, type II; Heterotopia, periventricular, X-linked dominant; Frontometaphyseal dysplasia; Melnick-Needles syndrome. Last evaluated: 2025-09-03. Review status: criteria provided, single submitter. Criteria: Invitae Variant Classification Sherloc (09022015). Collection method: clinical testing. Allele origin: germline.
Comment: This sequence change replaces histidine, which is basic and polar, with tyrosine, which is neutral and polar, at codon 56 of the FLNA protein (p.His56Tyr). This variant is not present in population databases (gnomAD no frequency). This variant has not been reported in the literature in individuals affected with FLNA-related conditions. ClinVar contains an entry for this variant (Variation ID: 2444074). Invitae Evidence Modeling of protein sequence and biophysical properties (such as structural, functional, and spatial information, amino acid conservation, physicochemical variation, residue mobility, and thermodynamic stability) has been performed for this missense variant. However, the output from this modeling did not meet the statistical confidence thresholds required to predict the impact of this variant on FLNA protein function. In summary, the available evidence is currently insufficient to determine the role of this variant in disease. Therefore, it has been classified as a Variant of Uncertain Significance.

3billion
Classification: Uncertain significance for Oto-palato-digital syndrome, type I. Last evaluated: 2023-02-23. Review status: criteria provided, single submitter. Criteria: ACMG Guidelines, 2015. Collection method: clinical testing. Allele origin: unknown. Affected: yes.
Comment: The variant is not observed in the gnomAD v2.1.1 dataset. The variant is located in a mutational hot spot and/or well-established functional domain in which established pathogenic variants have been reported. In silico tool predictions suggest damaging effect of the variant on gene or gene product (REVEL: 0.89; 3Cnet: 0.56). Therefore, this variant is classified as VUS according to the recommendation of ACMG/AMP guideline.